The following is an entry in ClinVar:

NM_001379500.1(COL18A1):c.2800G>T (p.Gly934Cys)

Genes: SLC19A1 (solute carrier family 19 member 1; minus strand), COL18A1 (collagen type XVIII alpha 1 chain; plus strand). Cytogenetic location: 21q22.3.
Variant type: single nucleotide variant.
Coding change: c.2800G>T on transcript NM_001379500.1 (MANE Select); coding-DNA position 2800, G replaced by T.
Protein change: p.Gly934Cys; replaces glycine 934 with cysteine.
Molecular consequence: missense variant.
Genome position (GRCh38, 1-based): chr21:45,504,488, G>T. VCF-style: chr21-45504488-G-T. GRCh37 (hg19) VCF-style: chr21-46924402-G-T.
Other names: c.3340G>T, p.Gly1114Cys (NM_030582.4); c.4045G>T, p.Gly1349Cys (NM_130444.3); short protein forms G934C, G1114C, G1349C.
Identifiers: ClinVar variation 3646054 (VCV003646054.2).
Genomic context (GRCh38, chr21:45,504,488, plus strand): 5'-GACCGAGGTGATGCAGGACAGAAAGGCGAAAGGGGGGAGCCCGGGGGCGGCGGTTTCTTC[G>T]GCTCCAGCCTGCCCGGCCCCCCCGGCCCCCCAGGCCCCCCAGGCCCACGTGGCTACCCTG-3'
Protein context (NP_001366429.1, residues 924-944): RGEPGGGGFF[Gly934Cys]SSLPGPPGPP

ClinVar aggregate classification (germline): Uncertain significance (1 of 4 stars; one submission).

Submission:

Labcorp Genetics (formerly Invitae), Labcorp
Classification: Uncertain significance. Last evaluated: 2024-03-15. Review status: criteria provided, single submitter. Criteria: Invitae Variant Classification Sherloc (09022015). Collection method: clinical testing. Allele origin: germline.
Comment: This sequence change replaces glycine, which is neutral and non-polar, with cysteine, which is neutral and slightly polar, at codon 934 of the COL18A1 protein (p.Gly934Cys). This variant is not present in population databases (gnomAD no frequency). This variant has not been reported in the literature in individuals affected with COL18A1-related conditions. Experimental studies and prediction algorithms are not available or were not evaluated, and the functional significance of this variant is currently unknown. In summary, the available evidence is currently insufficient to determine the role of this variant in disease. Therefore, it has been classified as a Variant of Uncertain Significance.